The following is an entry in ClinVar:

ClinVar aggregate classification (germline): Likely pathogenic (1 of 4 stars; one submission).

Conditions:
Dilated cardiomyopathy 1G (CMD1G). Identifiers: Orphanet 154, MedGen C1858763, MONDO:0011400, OMIM 604145.
Autosomal recessive limb-girdle muscular dystrophy type 2J (LGMDR10). Also called: Limb-girdle muscular dystrophy, type 2J; MUSCULAR DYSTROPHY, LIMB-GIRDLE, AUTOSOMAL RECESSIVE 10. Identifiers: Orphanet 140922, MedGen C1837342, MONDO:0012127, OMIM 608807.

Submission:

Labcorp Genetics (formerly Invitae), Labcorp
Classification: Likely pathogenic for Dilated cardiomyopathy 1G; Autosomal recessive limb-girdle muscular dystrophy type 2J. Last evaluated: 2025-01-01. Review status: criteria provided, single submitter. Criteria: Invitae Variant Classification Sherloc (09022015). Collection method: clinical testing. Allele origin: germline.
Comment: This sequence change creates a premature translational stop signal (p.Trp16076*) in the TTN gene. While this is not anticipated to result in nonsense mediated decay, it is expected to create a truncated TTN protein. This variant is not present in population databases (gnomAD no frequency). This variant has not been reported in the literature in individuals affected with TTN-related conditions. This variant is located in the A band of TTN (PMID: 25589632). Truncating variants in this region are significantly overrepresented in patients affected with dilated cardiomyopathy (PMID: 25589632). Truncating variants in this region have also been reported in individuals affected with autosomal recessive centronuclear myopathy (PMID: 23975875). In summary, the currently available evidence indicates that the variant is pathogenic, but additional data are needed to prove that conclusively. Therefore, this variant has been classified as Likely Pathogenic.

Literature cited by the submitters: PubMed 25589632; PubMed 23975875.

NM_001267550.2(TTN):c.48227G>A (p.Trp16076Ter)

Genes: TTN (titin; minus strand), TTN-AS1 (TTN antisense RNA 1; plus strand). Cytogenetic location: 2q31.2.
Variant type: single nucleotide variant.
Coding change: c.48227G>A on transcript NM_001267550.2 (MANE Select); coding-DNA position 48227, G replaced by A.
Protein change: p.Trp16076Ter; replaces tryptophan 16076 with a stop codon.
Molecular consequence: nonsense.
Genome position (GRCh38, 1-based): chr2:178,616,564, C>T on the plus strand (G>A on the coding strand, the complement: TTN is on the minus strand). VCF-style: chr2-178616564-C-T. GRCh37 (hg19) VCF-style: chr2-179481291-C-T.
Other names: c.43304G>A, p.Trp14435Ter (NM_001256850.1); c.21032G>A, p.Trp7011Ter (NM_003319.4); c.40523G>A, p.Trp13508Ter (NM_133378.4); c.21407G>A, p.Trp7136Ter (NM_133432.3); c.21608G>A, p.Trp7203Ter (NM_133437.4); short protein forms W13508*, W14435*, W16076*, W7011*, W7136*, W7203*.
Identifiers: ClinVar variation 3760225 (VCV003760225.2).